The following is an entry in ClinVar:

NM_020207.7(ERCC6L2):c.776A>G (p.Asp259Gly)

Gene: ERCC6L2 (ERCC excision repair 6 like 2; plus strand). Cytogenetic location: 9q22.32.
Variant type: single nucleotide variant.
Coding change: c.776A>G on transcript NM_020207.7 (MANE Select); coding-DNA position 776, A replaced by G.
Protein change: p.Asp259Gly; replaces aspartic acid 259 with glycine.
Molecular consequence: missense variant. On other transcripts: non-coding transcript variant (1).
Genome position (GRCh38, 1-based): chr9:95,907,259, A>G. VCF-style: chr9-95907259-A-G. GRCh37 (hg19) VCF-style: chr9-98669541-A-G.
Other names: c.776A>G, p.Asp259Gly (NM_001010895.4, NM_001375291.1, NM_001375292.1 and 2 more transcripts); short protein forms D259G.
Identifiers: ClinVar variation 4019279 (VCV004019279.1).

ClinVar aggregate classification (germline): Uncertain significance (1 of 4 stars; one submission).

Conditions:
Inborn genetic diseases. Identifiers: MedGen C0950123, MeSH D030342.

gnomAD v4.1: 1 of 1,608,816 alleles (0.000062%); highest among the groups gnomAD compares: Non-Finnish European, 0.000085%; no homozygotes.

Submission:

Ambry Genetics
Classification: Uncertain significance for Inborn genetic diseases. Last evaluated: 2025-03-29. Review status: criteria provided, single submitter. Criteria: Ambry Variant Classification Scheme 2023. Collection method: clinical testing. Allele origin: germline.
Comment: The p.D259G variant (also known as c.776A>G), located in coding exon 4 of the ERCC6L2 gene, results from an A to G substitution at nucleotide position 776. The aspartic acid at codon 259 is replaced by glycine, an amino acid with similar properties. This amino acid position is conserved. In addition, the in silico prediction for this alteration is inconclusive. Based on the available evidence, the clinical significance of this variant remains unclear.